The following is an entry in ClinVar:

NM_000188.3(HK1):c.1142G>A (p.Arg381His)

Gene: HK1 (hexokinase 1; plus strand). Cytogenetic location: 10q22.1.
Variant type: single nucleotide variant.
Coding change: c.1142G>A on transcript NM_000188.3 (MANE Select); coding-DNA position 1142, G replaced by A.
Protein change: p.Arg381His; replaces arginine 381 with histidine.
Molecular consequence: missense variant. On other transcripts: non-coding transcript variant (2), intron variant (1).
Genome position (GRCh38, 1-based): chr10:69,379,972, G>A. VCF-style: chr10-69379972-G-A. GRCh37 (hg19) VCF-style: chr10-71139728-G-A.
Other names: c.1154G>A, p.Arg385His (NM_033497.3, NM_033498.3, NM_001322364.2 and 1 more transcripts); c.1106G>A, p.Arg369His (NM_033500.2); c.876-2515G>A (NM_001441150.1); c.1142G>A, p.Arg381His (NM_001441148.1, NM_001441139.1, NM_001441141.1 and 2 more transcripts); c.776G>A, p.Arg259His (NM_001441149.1); c.503G>A, p.Arg168His (NM_001441151.1); c.428G>A, p.Arg143His (NM_001441152.1); c.134G>A, p.Arg45His (NM_001441153.1); and 8 more; short protein forms R143H, R341H, R349H, R385H, R259H, R307H, R367H, R369H.
Identifiers: ClinVar variation 4768548 (VCV004768548.1).

ClinVar aggregate classification (germline): Uncertain significance (1 of 4 stars; one submission).

Submission:

Labcorp Genetics (formerly Invitae), Labcorp
Classification: Uncertain significance. Last evaluated: 2025-03-05. Review status: criteria provided, single submitter. Criteria: Invitae Variant Classification Sherloc (09022015). Collection method: clinical testing. Allele origin: germline.
Comment: This sequence change replaces arginine, which is basic and polar, with histidine, which is basic and polar, at codon 381 of the HK1 protein (p.Arg381His). This variant is not present in population databases (gnomAD no frequency). This variant has not been reported in the literature in individuals affected with HK1-related conditions. Invitae Evidence Modeling of protein sequence and biophysical properties (such as structural, functional, and spatial information, amino acid conservation, physicochemical variation, residue mobility, and thermodynamic stability) indicates that this missense variant is expected to disrupt HK1 protein function with a positive predictive value of 80%. In summary, the available evidence is currently insufficient to determine the role of this variant in disease. Therefore, it has been classified as a Variant of Uncertain Significance.